The following is an entry in ClinVar:

ClinVar aggregate classification (germline): Uncertain significance (1 of 4 stars; one submission).

Allele frequency attached by ClinVar (database versions not stated): 1000 Genomes Project 30x 0.00031; 1000 Genomes Project 0.00040; ESP Exome Variant Server 0.00046.
gnomAD v4.1: 1,211 of 1,613,642 alleles (0.075%); highest among the groups gnomAD compares: South Asian, 0.11%; 3 homozygotes.

Submission:

Labcorp Genetics (formerly Invitae), Labcorp
Classification: Uncertain significance. Last evaluated: 2025-10-02. Review status: criteria provided, single submitter. Criteria: Invitae Variant Classification Sherloc (09022015). Collection method: clinical testing. Allele origin: germline.
Comment: This sequence change replaces arginine, which is basic and polar, with histidine, which is basic and polar, at codon 227 of the SLC22A4 protein (p.Arg227His). This variant is present in population databases (rs143140136, gnomAD 0.1%), and has an allele count higher than expected for a pathogenic variant. This variant has not been reported in the literature in individuals affected with SLC22A4-related conditions. ClinVar contains an entry for this variant (Variation ID: 1404289). Invitae Evidence Modeling of protein sequence and biophysical properties (such as structural, functional, and spatial information, amino acid conservation, physicochemical variation, residue mobility, and thermodynamic stability) indicates that this missense variant is expected to disrupt SLC22A4 protein function with a positive predictive value of 80%. In summary, the available evidence is currently insufficient to determine the role of this variant in disease. Therefore, it has been classified as a Variant of Uncertain Significance.

NM_003059.3(SLC22A4):c.680G>A (p.Arg227His)

Genes: MIR3936HG (MIR3936 host gene; minus strand), SLC22A4 (solute carrier family 22 member 4; plus strand). Cytogenetic location: 5q31.1.
Variant type: single nucleotide variant.
Coding change: c.680G>A on transcript NM_003059.3 (MANE Select); coding-DNA position 680, G replaced by A.
Protein change: p.Arg227His; replaces arginine 227 with histidine.
Molecular consequence: missense variant.
Genome position (GRCh38, 1-based): chr5:132,322,211, G>A. VCF-style: chr5-132322211-G-A. GRCh37 (hg19) VCF-style: chr5-131657904-G-A.
Other names: short protein forms R227H.
Identifiers: ClinVar variation 1404289 (VCV001404289.6), dbSNP rs143140136, ClinGen allele CA3403486.
Genomic context (GRCh38, chr5:132,322,211, plus strand): 5'-AATATGCTAATACTCCTCCCTTGTTTTGAACAGGAACAGAAATTCTTGGCAAGTCAGTTC[G>A]TATTATATTCTCTACATTAGGAGTGTGCACATTTTTTGCAGTTGGCTATATGCTGCTGCC-3'
Protein context (NP_003050.2, residues 217-237): LGTEILGKSV[Arg227His]IIFSTLGVCT